The following is an entry in ClinVar:

NM_017882.3(CLN6):c.828G>T (p.Trp276Cys)

Gene: CLN6 (CLN6 transmembrane ER protein; minus strand). Cytogenetic location: 15q23.
Variant type: single nucleotide variant.
Coding change: c.828G>T on transcript NM_017882.3 (MANE Select); coding-DNA position 828, G replaced by T.
Protein change: p.Trp276Cys; replaces tryptophan 276 with cysteine.
Molecular consequence: missense variant.
Genome position (GRCh38, 1-based): chr15:68,208,248, C>A on the plus strand (G>T on the coding strand, the complement: CLN6 is on the minus strand). VCF-style: chr15-68208248-C-A. GRCh37 (hg19) VCF-style: chr15-68500586-C-A.
Other names: short protein forms W276C.
Identifiers: ClinVar variation 1046486 (VCV001046486.11), dbSNP rs2093193718, ClinGen allele CA392971838.

ClinVar aggregate classification (germline): Uncertain significance (1 of 4 stars; one submission).

Conditions:
Neuronal ceroid lipofuscinosis. Also called: Neuronal Ceroid Lipofuscinoses. Identifiers: Orphanet 216, Orphanet 79263, MedGen C0027877, MONDO:0016295. Disease mechanism: loss of function.

Submission:

Labcorp Genetics (formerly Invitae), Labcorp
Classification: Uncertain significance for Neuronal ceroid lipofuscinosis. Last evaluated: 2022-02-03. Review status: criteria provided, single submitter. Criteria: Invitae Variant Classification Sherloc (09022015). Collection method: clinical testing. Allele origin: germline.
Comment: In summary, the available evidence is currently insufficient to determine the role of this variant in disease. Therefore, it has been classified as a Variant of Uncertain Significance. Algorithms developed to predict the effect of missense changes on protein structure and function are either unavailable or do not agree on the potential impact of this missense change (SIFT: "Deleterious"; PolyPhen-2: "Probably Damaging"; Align-GVGD: "Class C0"). ClinVar contains an entry for this variant (Variation ID: 1046486). This variant has not been reported in the literature in individuals affected with CLN6-related conditions. This variant is not present in population databases (gnomAD no frequency). This sequence change replaces tryptophan, which is neutral and slightly polar, with cysteine, which is neutral and slightly polar, at codon 276 of the CLN6 protein (p.Trp276Cys).